The following is an entry in ClinVar:

NM_006005.3(WFS1):c.631+12C>T

Gene: WFS1 (wolframin ER transmembrane glycoprotein; plus strand). Cytogenetic location: 4p16.1.
Variant type: single nucleotide variant.
Coding change: c.631+12C>T on transcript NM_006005.3 (MANE Select); 12 bases into the intron after coding-DNA position 631, C replaced by T.
Molecular consequence: intron variant.
Genome position (GRCh38, 1-based): chr4:6,291,379, C>T. VCF-style: chr4-6291379-C-T. GRCh37 (hg19) VCF-style: chr4-6293106-C-T.
Other names: c.631+12C>T (NM_001145853.1).
Identifiers: ClinVar variation 227153 (VCV000227153.17), dbSNP rs183980454, ClinGen allele CA2838961.
Genomic context (GRCh38, chr4:6,291,379, plus strand): 5'-GTGGCCGTGGCGGAGCTGCTGGAGAATGTCGGCCAGGTCAACGAGCACGGTGCGAGGATT[C>T]ACCCTGGGCACCAGCCTTCCCTGGGCGCCAGCCTTCCCACAGGAGCCAGGACCTTCCCAT-3'

ClinVar aggregate classification (germline): Benign/Likely benign. Review status: criteria provided, multiple submitters, no conflicts (2 of 4 stars). 6 submissions from 6 submitters: Benign (5); Likely benign (1). Last evaluated 2025-12-23.

Conditions:
Wolfram syndrome 1 (WFS1). Identifiers: Orphanet 3463, MedGen C4551693, MONDO:0009101, OMIM 222300.

Allele frequency attached by ClinVar (database versions not stated): gnomAD exomes 0.00009 and 0.00023; ExAC 0.00026; gnomAD 0.00076 and 0.00082; 1000 Genomes Project 0.00080; TOPMed 0.00081; ESP Exome Variant Server 0.00092; 1000 Genomes Project 30x 0.00094.
gnomAD v4.1: 260 of 1,610,992 alleles (0.016%); highest among the groups gnomAD compares: African/African-American, 0.27%; no homozygotes.

Submissions (6):

Labcorp Genetics (formerly Invitae), Labcorp
Classification: Benign. Last evaluated: 2025-12-23. Review status: criteria provided, single submitter. Criteria: Invitae Variant Classification Sherloc (09022015). Collection method: clinical testing. Allele origin: germline.

Blueprint Genetics
Classification: Likely benign. Last evaluated: 2024-10-03. Review status: criteria provided, single submitter. Criteria: ACMG Guidelines, 2015. Collection method: clinical testing. Allele origin: germline.

Laboratory for Molecular Medicine, Mass General Brigham Personalized Medicine
Classification: Benign. Last evaluated: 2016-03-29. Review status: criteria provided, single submitter. Criteria: LMM Criteria. Collection method: clinical testing. Allele origin: germline. Observed: 1 variant allele.
Comment: 631+12C>T in Intron 05 of WFS1: This variant is not expected to have clinical si gnificance because it is not located within the conserved splice consensus seque nce and has been identified in 0.3% (25/9514) of African chromosomes by the Exom e Aggregation Consortium (ExAC; dbSNP rs18398045 4).

GeneDx
Classification: Benign. Last evaluated: 2015-04-20. Review status: criteria provided, single submitter. Criteria: GeneDx Variant Classification (06012015). Collection method: clinical testing. Allele origin: germline. Affected: yes.
Comment: This variant is considered likely benign or benign based on one or more of the following criteria: it is a conservative change, it occurs at a poorly conserved position in the protein, it is predicted to be benign by multiple in silico algorithms, and/or has population frequency not consistent with disease.

Breakthrough Genomics
Classification: Benign. Review status: criteria provided, single submitter. Criteria: ACMG Guidelines, 2015. Collection method: not provided. Allele origin: germline. Inheritance: Autosomal recessive inheritance. Affected: yes.

Clinical Genomics, Uppaluri K&H Personalized Medicine Clinic
Classification: Benign for Wolfram syndrome 1. Review status: criteria provided, single submitter. Criteria: K & H Uppaluri Personalized Medicine Clinic Variant Classification & Assertion Criteria_Updated V.1. Collection method: research. Allele origin: unknown. Inheritance: Autosomal recessive inheritance.
Comment: Potent mutations in WFS1 gene are associated with Wolfram's syndrome, an autosomal recessive condition, which cause diabetes mellitus, diabetes insipidus, deafness and optic atrophy. However no sufficient evidence is found to ascertain the role of this particular variant rs183980454 in Wolfram's syndrome yet.

Literature cited by the submitters: PubMed 20738327 (cited by Clinical Genomics, Uppaluri K&H Personalized Medicine Clinic); PubMed 33879153 (cited by Clinical Genomics, Uppaluri K&H Personalized Medicine Clinic); PubMed 12955714 (cited by Clinical Genomics, Uppaluri K&H Personalized Medicine Clinic); PubMed 18060660 (cited by Clinical Genomics, Uppaluri K&H Personalized Medicine Clinic); PubMed 20301750 (cited by Clinical Genomics, Uppaluri K&H Personalized Medicine Clinic); PubMed 17603484 (cited by Clinical Genomics, Uppaluri K&H Personalized Medicine Clinic).